The following is an entry in ClinVar:

ClinVar aggregate classification (germline): Uncertain significance (1 of 4 stars; one submission).

Conditions:
Intellectual developmental disorder, X-linked, syndromic, Snyder-Robinson type. Also called: X-linked mental retardation Snyder - Robinson type; Spermine synthase deficiency; Syndromic X-linked intellectual disability Snyder type; SNYDER-ROBINSON MENTAL RETARDATION SYNDROME. Identifiers: Orphanet 3063, MedGen C0796160, MONDO:0010664, OMIM 309583.

Submission:

MVZ Medizinische Genetik Mainz
Classification: Uncertain significance for Intellectual developmental disorder, X-linked, syndromic, Snyder-Robinson type. Last evaluated: 2024-01-03. Review status: criteria provided, single submitter. Criteria: UK Practice Guidelines For Variant Classification V4 01 2020. Collection method: clinical testing. Allele origin: germline. Inheritance: Autosomal dominant inheritance. Affected: yes. Observed: 1 variant allele.
Comment: ACMG Criteria: PM4,PM2_SUP

NM_004595.5(SMS):c.641_643del (p.Lys214del)

Gene: SMS (spermine synthase; plus strand). Cytogenetic location: Xp22.11.
Variant type: Deletion.
Coding change: c.641_643del on transcript NM_004595.5 (MANE Select); coding-DNA positions 641 to 643, 3 bases deleted (AGA; older notation c.641_643delAGA).
Protein change: p.Lys214del; deletes lysine 214.
Genome position (GRCh38, 1-based): chrX:21,978,095-21,978,097, AGA deleted; deleting any 3 consecutive bases within chrX:21,978,094-21,978,097 gives the same sequence; the c. name uses the placement nearest the transcript's 3' end. VCF-style (leftmost placement, unchanged base first): chrX-21978093-AAAG-A. GRCh37 (hg19) VCF-style: chrX-21996211-AAAG-A.
Other names: c.482_484del, p.Lys161del (NM_001258423.2); short protein forms K161del, K214del.
Identifiers: ClinVar variation 3066248 (VCV003066248.1), dbSNP rs2519670285, ClinGen allele CA2740097960.
Genomic context (GRCh38, chrX:21,978,093, plus strand): 5'-TGTACTCATTCTGGGAGGTGGAGACGGAGGCATATTGTGTGAAATAGTCAAACTAAAACC[AAAG>A]ATGGTCACTATGGTAGAGATATCCTTTGTTGTATAAGAGAACAAGTTCAGTGGGCTTCTT-3'